The following is an entry in ClinVar:

NM_001291303.3(FAT4):c.11991C>T (p.Asn3997=)

Gene: FAT4 (FAT atypical cadherin 4; plus strand). Cytogenetic location: 4q28.1.
Variant type: single nucleotide variant.
Coding change: c.11991C>T on transcript NM_001291303.3 (MANE Select); coding-DNA position 11991, C replaced by T.
Protein change: p.Asn3997=; no amino-acid change (asparagine 3997 retained).
Molecular consequence: synonymous variant.
Genome position (GRCh38, 1-based): chr4:125,468,597, C>T. VCF-style: chr4-125468597-C-T. GRCh37 (hg19) VCF-style: chr4-126389752-C-T.
Other names: c.11991C>T, p.Asn3997= (NM_001291285.3); c.11985C>T, p.Asn3995= (NM_024582.6).
Identifiers: ClinVar variation 3346032 (VCV003346032.1).

ClinVar aggregate classification (germline): Likely benign (0 of 4 stars; one submission).

Conditions:
FAT4-related disorder. Also called: FAT4-related condition.

gnomAD v4.1: 1 of 1,614,056 alleles (0.000062%); highest among the groups gnomAD compares: Non-Finnish European, 0.000085%; no homozygotes.

Submission:

PreventionGenetics, part of Exact Sciences
Classification: Likely benign for FAT4-related condition. Last evaluated: 2024-04-02. Review status: no assertion criteria provided. Collection method: clinical testing. Allele origin: germline.
Comment: This variant is classified as likely benign based on ACMG/AMP sequence variant interpretation guidelines (Richards et al. 2015 PMID: 25741868, with internal and published modifications).